The following is an entry in ClinVar:

ClinVar aggregate classification (germline): Benign/Likely benign. Review status: criteria provided, multiple submitters, no conflicts (2 of 4 stars). 10 submissions from 10 submitters: Benign (1); Likely benign (9). Last evaluated 2026-01-11.

Conditions:
ATM-related disorder. Also called: ATM-related disorders; ATM-related condition.
Hereditary cancer-predisposing syndrome. Also called: Neoplastic Syndromes, Hereditary; Hereditary neoplastic syndrome; Tumor predisposition; Hereditary Cancer Syndrome. Identifiers: Orphanet 140162, MedGen C0027672, MeSH D009386, MONDO:0015356.
Familial cancer of breast. Also called: hereditary breast carcinoma; Hereditary breast cancer; BREAST CANCER, FAMILIAL. Identifiers: Orphanet 227535, MedGen C0346153, MONDO:0016419, OMIM 114480. Disease mechanism: loss of function.
Ataxia-telangiectasia syndrome (AT). Also called: Ataxia telangiectasia (A-T); Cerebello-oculocutaneous telangiectasia; Immunodeficiency with ataxia telangiectasia; LOUIS-BAR SYNDROME; AT, COMPLEMENTATION GROUP C; ATAXIA-TELANGIECTASIA, FRESNO VARIANT. Identifiers: Orphanet 100, MedGen C0004135, MONDO:0008840, OMIM 208900.

Allele frequency attached by ClinVar (database versions not stated): ExAC 0.00002; gnomAD 0.00001; gnomAD exomes 0.00001 and 0.00002; TOPMed 0.00003.
gnomAD v4.1: 16 of 1,613,960 alleles (0.00099%); highest among the groups gnomAD compares: East Asian, 0.022%; no homozygotes.

Submissions (10):

Labcorp Genetics (formerly Invitae), Labcorp
Classification: Likely benign for Ataxia-telangiectasia syndrome. Last evaluated: 2026-01-11. Review status: criteria provided, single submitter. Criteria: Invitae Variant Classification Sherloc (09022015). Collection method: clinical testing. Allele origin: germline.

PreventionGenetics, part of Exact Sciences
Classification: Likely benign for ATM-related condition. Last evaluated: 2025-12-23. Review status: criteria provided, single submitter. Criteria: ACMG Guidelines, 2015. Collection method: clinical testing. Allele origin: germline.
Comment: This variant is classified as likely benign based on ACMG/AMP sequence variant interpretation guidelines (Richards et al. 2015 PMID: 25741868, with internal and published modifications).

Center for Genomic Medicine, Rigshospitalet, Copenhagen University Hospital
Classification: Likely benign. Last evaluated: 2025-03-04. Review status: criteria provided, single submitter. Criteria: ACMG Guidelines, 2015. Collection method: clinical testing. Allele origin: germline.

Myriad Genetics, Inc.
Classification: Benign for Familial cancer of breast. Last evaluated: 2024-06-19. Review status: criteria provided, single submitter. Criteria: Myriad Autosomal Dominant, Autosomal Recessive and X-Linked Classification Criteria (2023). Collection method: clinical testing. Allele origin: unknown.
Comment: This variant is considered benign. This variant is a silent/synonymous amino acid change and it is not expected to impact splicing.

Blueprint Genetics
Classification: Likely benign. Last evaluated: 2023-03-29. Review status: criteria provided, single submitter. Criteria: ACMG Guidelines, 2015. Collection method: clinical testing. Allele origin: germline.

Sema4
Classification: Likely benign for Hereditary cancer-predisposing syndrome. Last evaluated: 2022-01-06. Review status: criteria provided, single submitter. Criteria: Sema4 Curation Guidelines. Collection method: curation. Allele origin: germline.

Women's Health and Genetics/Laboratory Corporation of America, LabCorp
Classification: Likely benign. Last evaluated: 2019-08-21. Review status: criteria provided, single submitter. Criteria: LabCorp Variant Classification Summary - May 2015. Collection method: clinical testing. Allele origin: germline.

GeneDx
Classification: Likely benign. Last evaluated: 2018-08-03. Review status: criteria provided, single submitter. Criteria: GeneDx Variant Classification Process June 2021. Collection method: clinical testing. Allele origin: germline. Affected: yes.

Color Diagnostics, LLC DBA Color Health
Classification: Likely benign for Hereditary cancer-predisposing syndrome. Last evaluated: 2015-11-08. Review status: criteria provided, single submitter. Criteria: ACMG Guidelines, 2015. Collection method: clinical testing. Allele origin: germline.

Ambry Genetics
Classification: Likely benign for Hereditary cancer-predisposing syndrome. Last evaluated: 2015-09-29. Review status: criteria provided, single submitter. Criteria: Ambry Variant Classification Scheme 2023. Collection method: clinical testing. Allele origin: germline.

NM_000051.4(ATM):c.8355T>C (p.Asp2785=)

Genes: ATM (ATM serine/threonine kinase; plus strand), C11orf65 (chromosome 11 open reading frame 65; minus strand). Cytogenetic location: 11q22.3.
Variant type: single nucleotide variant.
Coding change: c.8355T>C on transcript NM_000051.4 (MANE Select); coding-DNA position 8355, T replaced by C.
Protein change: p.Asp2785=; no amino-acid change (aspartic acid 2785 retained).
Molecular consequence: synonymous variant. On other transcripts: intron variant (2).
Genome position (GRCh38, 1-based): chr11:108,343,308, T>C. VCF-style: chr11-108343308-T-C. GRCh37 (hg19) VCF-style: chr11-108214035-T-C.
Other names: c.8355T>C, p.Asp2785= (NM_001351834.2); c.641-34237A>G (NM_001330368.2); c.695-8016A>G (NM_001351110.2).
Identifiers: ClinVar variation 234230 (VCV000234230.25), dbSNP rs372834825, ClinGen allele CA6266353.